The following is an entry in ClinVar:

ClinVar aggregate classification (germline): Uncertain significance (1 of 4 stars; one submission).

Conditions:
Long QT syndrome (LQTS). Identifiers: MedGen C0023976, MeSH D008133, MONDO:0002442. Disease mechanism: loss of function. Inheritance: Various modes of inheritance.

Submission:

Labcorp Genetics (formerly Invitae), Labcorp
Classification: Uncertain significance for Long QT syndrome. Last evaluated: 2025-08-03. Review status: criteria provided, single submitter. Criteria: Invitae Variant Classification Sherloc (09022015). Collection method: clinical testing. Allele origin: germline.
Comment: This sequence change replaces threonine, which is neutral and polar, with lysine, which is basic and polar, at codon 2419 of the AKAP9 protein (p.Thr2419Lys). Information on the frequency of this variant in the gnomAD database is not available, as this variant may be reported differently in the database. This variant has not been reported in the literature in individuals affected with AKAP9-related conditions. An algorithm developed to predict the effect of missense changes on protein structure and function (PolyPhen-2) suggests that this variant is likely to be disruptive. In summary, the available evidence is currently insufficient to determine the role of this variant in disease. Therefore, it has been classified as a Variant of Uncertain Significance.

NM_005751.5(AKAP9):c.7256_7257delinsAA (p.Thr2419Lys)

Gene: AKAP9 (A-kinase anchoring protein 9; plus strand). Cytogenetic location: 7q21.2.
Variant type: Indel.
Coding change: c.7256_7257delinsAA on transcript NM_005751.5 (MANE Select); coding-DNA positions 7256 to 7257, CC replaced by AA.
Protein change: p.Thr2419Lys; replaces threonine 2419 with lysine.
Molecular consequence: missense variant.
Genome position (GRCh38, 1-based): chr7:92,079,389-92,079,390, CC replaced by AA. VCF-style: chr7-92079389-CC-AA. GRCh37 (hg19) VCF-style: chr7-91708703-CC-AA.
Other names: c.1901_1902delinsAA, p.Thr634Lys (NM_001379277.1); c.7232_7233delinsAA, p.Thr2411Lys (NM_147185.3); short protein forms T2411K, T2419K, T634K.
Identifiers: ClinVar variation 4706409 (VCV004706409.1).